The following is an entry in ClinVar:

ClinVar aggregate classification (germline): Likely benign. Review status: criteria provided, multiple submitters, no conflicts (2 of 4 stars). 2 submissions from 2 submitters: Likely benign (2). Last evaluated 2025-09-01.

Conditions:
Hereditary cancer-predisposing syndrome. Also called: Neoplastic Syndromes, Hereditary; Tumor predisposition; Hereditary Cancer Syndrome; Hereditary neoplastic syndrome. Identifiers: Orphanet 140162, MedGen C0027672, MeSH D009386, MONDO:0015356.

Allele frequency attached by ClinVar (database versions not stated): gnomAD exomes below 0.00001.
gnomAD v4.1: 3 of 1,614,152 alleles (0.00019%); highest among the groups gnomAD compares: Non-Finnish European, 0.00025%; no homozygotes.

Submissions (2):

CeGaT Center for Human Genetics Tuebingen
Classification: Likely benign. Last evaluated: 2025-09-01. Review status: criteria provided, single submitter. Criteria: CeGaT Center For Human Genetics Tuebingen Variant Classification Criteria Version 2. Collection method: clinical testing. Allele origin: germline. Affected: yes. Observed: 1 variant allele.
Comment: RET: BP4, BP7

Ambry Genetics
Classification: Likely benign for Hereditary cancer-predisposing syndrome. Last evaluated: 2023-12-31. Review status: criteria provided, single submitter. Criteria: Ambry Variant Classification Scheme 2023. Collection method: clinical testing. Allele origin: germline.

NM_020975.6(RET):c.1359G>A (p.Gly453=)

Gene: RET (ret proto-oncogene; plus strand). Cytogenetic location: 10q11.21.
Variant type: single nucleotide variant.
Coding change: c.1359G>A on transcript NM_020975.6 (MANE Select); coding-DNA position 1359, G replaced by A.
Protein change: p.Gly453=; no amino-acid change (glycine 453 retained).
Molecular consequence: synonymous variant. On other transcripts: intron variant (15).
Genome position (GRCh38, 1-based): chr10:43,111,302, G>A. VCF-style: chr10-43111302-G-A. GRCh37 (hg19) VCF-style: chr10-43606750-G-A.
Other names: c.1359G>A, p.Gly453= (NM_000323.2, NM_001406743.1, NM_001406744.1 and 6 more transcripts); c.597G>A, p.Gly199= (NM_001355216.2); c.1230G>A, p.Gly410= (NM_001406761.1, NM_001406762.1, NM_001406764.1 and 1 more transcripts); c.1071G>A, p.Gly357= (NM_001406766.1, NM_001406767.1, NM_001406770.1); c.963G>A, p.Gly321= (NM_001406769.1, NM_001406772.1); c.921G>A, p.Gly307= (NM_001406771.1, NM_001406773.1); c.834G>A, p.Gly278= (NM_001406774.1); c.633G>A, p.Gly211= (NM_001406775.1, NM_001406776.1, NM_001406777.1 and 1 more transcripts); and 5 more.
Identifiers: ClinVar variation 3227507 (VCV003227507.8), dbSNP rs1588871195, ClinGen allele CA469479702.